The following is an entry in ClinVar:

NM_198506.5(LRIT3):c.1379A>G (p.Lys460Arg)

Gene: LRIT3 (leucine rich repeat, Ig-like and transmembrane domains 3; plus strand). Cytogenetic location: 4q25.
Variant type: single nucleotide variant.
Coding change: c.1379A>G on transcript NM_198506.5 (MANE Select); coding-DNA position 1379, A replaced by G.
Protein change: p.Lys460Arg; replaces lysine 460 with arginine.
Molecular consequence: missense variant.
Genome position (GRCh38, 1-based): chr4:109,870,128, A>G. VCF-style: chr4-109870128-A-G. GRCh37 (hg19) VCF-style: chr4-110791284-A-G.
Other names: short protein forms K460R.
Identifiers: ClinVar variation 1016491 (VCV001016491.5), dbSNP rs1734790762, ClinGen allele CA357870973.

ClinVar aggregate classification (germline): Uncertain significance (1 of 4 stars; one submission).

gnomAD v4.1: 1 of 1,614,208 alleles (0.000062%); no homozygotes.

Submission:

Labcorp Genetics (formerly Invitae), Labcorp
Classification: Uncertain significance. Last evaluated: 2022-08-16. Review status: criteria provided, single submitter. Criteria: Invitae Variant Classification Sherloc (09022015). Collection method: clinical testing. Allele origin: germline.
Comment: This variant is not present in population databases (gnomAD no frequency). This sequence change replaces lysine, which is basic and polar, with arginine, which is basic and polar, at codon 460 of the LRIT3 protein (p.Lys460Arg). In summary, the available evidence is currently insufficient to determine the role of this variant in disease. Therefore, it has been classified as a Variant of Uncertain Significance. Algorithms developed to predict the effect of missense changes on protein structure and function (SIFT, PolyPhen-2, Align-GVGD) all suggest that this variant is likely to be tolerated. ClinVar contains an entry for this variant (Variation ID: 1016491). This variant has not been reported in the literature in individuals affected with LRIT3-related conditions.